The following is an entry in ClinVar:

NM_000260.4(MYO7A):c.670C>T (p.Arg224Trp)

Gene: MYO7A (myosin VIIA; plus strand). Cytogenetic location: 11q13.5.
Variant type: single nucleotide variant.
Coding change: c.670C>T on transcript NM_000260.4 (MANE Select); coding-DNA position 670, C replaced by T.
Protein change: p.Arg224Trp; replaces arginine 224 with tryptophan.
Molecular consequence: missense variant.
Genome position (GRCh38, 1-based): chr11:77,156,939, C>T. VCF-style: chr11-77156939-C-T. GRCh37 (hg19) VCF-style: chr11-76867985-C-T.
Other names: c.670C>T, p.Arg224Trp (NM_001127180.2); c.637C>T, p.Arg213Trp (NM_001369365.1); short protein forms R213W, R224W.
Identifiers: ClinVar variation 3251534 (VCV003251534.2), dbSNP rs782792865.

ClinVar aggregate classification (germline): Uncertain significance. Review status: criteria provided, multiple submitters, no conflicts (2 of 4 stars). 2 submissions from 2 submitters: Uncertain significance (2). Last evaluated 2024-04-04.

Allele frequency attached by ClinVar (database versions not stated): gnomAD 0.00001; TOPMed 0.00002; ExAC 0.00003.

Submissions (2):

Women's Health and Genetics/Laboratory Corporation of America, LabCorp
Classification: Uncertain significance. Last evaluated: 2024-04-04. Review status: criteria provided, single submitter. Criteria: LabCorp Variant Classification Summary - May 2015. Collection method: clinical testing. Allele origin: germline.
Comment: Variant summary: MYO7A c.670C>T (p.Arg224Trp) results in a non-conservative amino acid change located in the Myosin head, motor domain (IPR001609) of the encoded protein sequence. Five of five in-silico tools predict a damaging effect of the variant on protein function. The variant allele was found at a frequency of 1.6e-05 in 249086 control chromosomes. The available data on variant occurrences in the general population are insufficient to allow any conclusion about variant significance. To our knowledge, no occurrence of c.670C>T in individuals affected with Usher Syndrome and no experimental evidence demonstrating its impact on protein function have been reported. No submitters have cited clinical-significance assessments for this variant to ClinVar. Based on the evidence outlined above, the variant was classified as uncertain significance.

Blueprint Genetics
Classification: Uncertain significance. Last evaluated: 2023-09-27. Review status: criteria provided, single submitter. Criteria: ACMG Guidelines, 2015. Collection method: clinical testing. Allele origin: germline.